The following is an entry in ClinVar:

NM_175914.5(HNF4A):c.119T>A (p.Ile40Asn)

Gene: HNF4A (hepatocyte nuclear factor 4 alpha; plus strand). Cytogenetic location: 20q13.12.
Variant type: single nucleotide variant.
Coding change: c.119T>A on transcript NM_175914.5 (MANE Select); coding-DNA position 119, T replaced by A.
Protein change: p.Ile40Asn; replaces isoleucine 40 with asparagine.
Molecular consequence: missense variant.
Genome position (GRCh38, 1-based): chr20:44,406,127, T>A. VCF-style: chr20-44406127-T-A. GRCh37 (hg19) VCF-style: chr20-43034767-T-A.
Other names: c.185T>A, p.Ile62Asn (NM_000457.6, NM_178849.3, NM_178850.3); c.119T>A, p.Ile40Asn (NM_001030003.3, NM_001030004.3); c.164T>A, p.Ile55Asn (NM_001258355.2); c.110T>A, p.Ile37Asn (NM_001287182.2, NM_001287183.2, NM_001287184.2); short protein forms I37N, I40N, I55N, I62N.
Identifiers: ClinVar variation 1308485 (VCV001308485.2), dbSNP rs2146367925, ClinGen allele CA409103793.

ClinVar aggregate classification (germline): Uncertain significance (1 of 4 stars; one submission).

Submission:

GeneDx
Classification: Uncertain significance. Last evaluated: 2019-03-29. Review status: criteria provided, single submitter. Criteria: GeneDx Variant Classification Process June 2021. Collection method: clinical testing. Allele origin: germline. Affected: yes.
Comment: Not observed in large population cohorts (Lek et al., 2016); In silico analysis, which includes protein predictors and evolutionary conservation, supports a deleterious effect; Has not been previously published as pathogenic or benign to our knowledge